The following is an entry in ClinVar:

ClinVar aggregate classification (germline): Uncertain significance. Review status: criteria provided, multiple submitters, no conflicts (2 of 4 stars). 2 submissions from 2 submitters: Uncertain significance (2). Last evaluated 2025-03-01.

Conditions:
PRF1-related disorder. Also called: PRF1-related condition.
Familial hemophagocytic lymphohistiocytosis 2 (FHL2). Also called: PRF1-Related Familial Hemophagocytic Lymphohistiocytosis (PRF1-fHLH). Identifiers: Orphanet 540, MedGen C1863727, MONDO:0011337, OMIM 603553.

Submissions (2):

PreventionGenetics, part of Exact Sciences
Classification: Uncertain significance for PRF1-related condition. Last evaluated: 2025-03-01. Review status: criteria provided, single submitter. Criteria: ACMG Guidelines, 2015. Collection method: clinical testing. Allele origin: germline.
Comment: The PRF1 c.1391G>A variant is predicted to result in the amino acid substitution p.Arg464Gln. To our knowledge, this variant has not been reported in the literature. This variant is reported in 0.0054% of alleles in individuals of European (Non-Finnish) descent in gnomAD. At the time of reporting this variant is absent in ClinVar. At this time, the clinical significance of this variant is uncertain due to the absence of conclusive functional and genetic evidence.

Labcorp Genetics (formerly Invitae), Labcorp
Classification: Uncertain significance for Familial hemophagocytic lymphohistiocytosis 2. Last evaluated: 2025-01-07. Review status: criteria provided, single submitter. Criteria: Invitae Variant Classification Sherloc (09022015). Collection method: clinical testing. Allele origin: germline.
Comment: This sequence change replaces arginine, which is basic and polar, with glutamine, which is neutral and polar, at codon 464 of the PRF1 protein (p.Arg464Gln). This variant is present in population databases (rs748060067, gnomAD 0.006%). This variant has not been reported in the literature in individuals affected with PRF1-related conditions. Invitae Evidence Modeling of protein sequence and biophysical properties (such as structural, functional, and spatial information, amino acid conservation, physicochemical variation, residue mobility, and thermodynamic stability) indicates that this missense variant is not expected to disrupt PRF1 protein function with a negative predictive value of 95%. In summary, the available evidence is currently insufficient to determine the role of this variant in disease. Therefore, it has been classified as a Variant of Uncertain Significance.

NM_001083116.3(PRF1):c.1391G>A (p.Arg464Gln)

Gene: PRF1 (perforin 1; minus strand). Cytogenetic location: 10q22.1.
Variant type: single nucleotide variant.
Coding change: c.1391G>A on transcript NM_001083116.3 (MANE Select); coding-DNA position 1391, G replaced by A.
Protein change: p.Arg464Gln; replaces arginine 464 with glutamine.
Molecular consequence: missense variant.
Genome position (GRCh38, 1-based): chr10:70,598,330, C>T on the plus strand (G>A on the coding strand, the complement: PRF1 is on the minus strand). VCF-style: chr10-70598330-C-T. GRCh37 (hg19) VCF-style: chr10-72358086-C-T.
Other names: c.1391G>A, p.Arg464Gln (NM_005041.6); short protein forms R464Q.
Identifiers: ClinVar variation 3633383 (VCV003633383.3).
Genomic context (GRCh38, chr10:70,598,330, plus strand): 5'-TCCCAGACCTGCAACCTCAGGGGCCCCCCTGTGGCCAGGAGCACATCCCCAAAATCCAGC[C>T]GCACTGACCAGATGGGGTTGTTATTGTCCCACACGGTGCTCGTCCTCAGCTCCTGGCCAC-3'
Protein context (NP_001076585.1, residues 454-474): WDNNNPIWSV[Arg464Gln]LDFGDVLLAT